The following is an entry in ClinVar:

NC_000011.10:g.47347014C>T

Gene: MYBPC3 (myosin binding protein C3; minus strand). Cytogenetic location: 11p11.2.
Variant type: single nucleotide variant.
Genome position: GRCh38 VCF-style: chr11-47347014-C-T. GRCh37 (hg19) VCF-style: chr11-47368565-C-T.
Other names: c.908+13G>A (NM_000256.3, LRG_386t1).
Identifiers: ClinVar variation 510237 (VCV000510237.4), dbSNP rs1321998052, ClinGen allele CA658797642.
Genomic context (GRCh38, chr11:47,347,014, plus strand): 5'-GAGAGGGGACGGGAATCCCCTCTGCACCCACCAGCGCCCTGCCGCCCCCAAACACCCAGA[C>T]CCCGATTCTTACTCTCTGGGCCACAGCAGCAGCAGCCATAATGGAGGGGCCGGGGGAGAG-3'

ClinVar aggregate classification (germline): Likely benign. Review status: criteria provided, multiple submitters, no conflicts (2 of 4 stars). 2 submissions from 2 submitters: Likely benign (2). Last evaluated 2023-04-09.

Conditions:
Hypertrophic cardiomyopathy. Also called: HYPERTROPHIC MYOCARDIOPATHY. Identifiers: Orphanet 217569, MedGen C0007194, MeSH D002312, MONDO:0005045, HP:0001639.

Allele frequency attached by ClinVar (database versions not stated): TOPMed 0.00001.

Submissions (2):

Labcorp Genetics (formerly Invitae), Labcorp
Classification: Likely benign for Hypertrophic cardiomyopathy. Last evaluated: 2023-04-09. Review status: criteria provided, single submitter. Criteria: Invitae Variant Classification Sherloc (09022015). Collection method: clinical testing. Allele origin: germline.

GeneDx
Classification: Likely benign. Last evaluated: 2017-06-16. Review status: criteria provided, single submitter. Criteria: GeneDx Variant Classification (06012015). Collection method: clinical testing. Allele origin: germline. Affected: yes.
Comment: This variant is considered likely benign or benign based on one or more of the following criteria: it is a conservative change, it occurs at a poorly conserved position in the protein, it is predicted to be benign by multiple in silico algorithms, and/or has population frequency not consistent with disease.